The following is an entry in ClinVar:

NM_198578.4(LRRK2):c.488T>A (p.Ile163Asn)

Gene: LRRK2 (leucine rich repeat kinase 2; plus strand). Cytogenetic location: 12q12.
Variant type: single nucleotide variant.
Coding change: c.488T>A on transcript NM_198578.4 (MANE Select); coding-DNA position 488, T replaced by A.
Protein change: p.Ile163Asn; replaces isoleucine 163 with asparagine.
Molecular consequence: missense variant.
Genome position (GRCh38, 1-based): chr12:40,238,020, T>A. VCF-style: chr12-40238020-T-A. GRCh37 (hg19) VCF-style: chr12-40631822-T-A.
Other names: short protein forms I163N.
Identifiers: ClinVar variation 3540658 (VCV003540658.1).

ClinVar aggregate classification (germline): Uncertain significance (1 of 4 stars; one submission).

Conditions:
Inborn genetic diseases. Identifiers: MedGen C0950123, MeSH D030342.

Submission:

Ambry Genetics
Classification: Uncertain significance for Inborn genetic diseases. Last evaluated: 2024-09-04. Review status: criteria provided, single submitter. Criteria: Ambry Variant Classification Scheme 2023. Collection method: clinical testing. Allele origin: germline.
Comment: The p.I163N variant (also known as c.488T>A), located in coding exon 5 of the LRRK2 gene, results from a T to A substitution at nucleotide position 488. The isoleucine at codon 163 is replaced by asparagine, an amino acid with dissimilar properties. This amino acid position is conserved. In addition, the in silico prediction for this alteration is inconclusive. Based on the available evidence, the clinical significance of this variant remains unclear.